The following is an entry in ClinVar:

ClinVar aggregate classification (germline): Likely benign (1 of 4 stars; one submission).

Submission:

GeneDx
Classification: Likely benign. Last evaluated: 2017-10-30. Review status: criteria provided, single submitter. Criteria: GeneDx Variant Classification (06012015). Collection method: clinical testing. Allele origin: germline. Affected: yes.
Comment: This variant is considered likely benign or benign based on one or more of the following criteria: it is a conservative change, it occurs at a poorly conserved position in the protein, it is predicted to be benign by multiple in silico algorithms, and/or has population frequency not consistent with disease.

NM_014244.5(ADAMTS2):c.195C>T (p.Asp65=)

Gene: ADAMTS2 (ADAM metallopeptidase with thrombospondin type 1 motif 2; minus strand). Cytogenetic location: 5q35.3.
Variant type: single nucleotide variant.
Coding change: c.195C>T on transcript NM_014244.5 (MANE Select); coding-DNA position 195, C replaced by T.
Protein change: p.Asp65=; no amino-acid change (aspartic acid 65 retained).
Molecular consequence: synonymous variant.
Genome position (GRCh38, 1-based): chr5:179,344,106, G>A on the plus strand (C>T on the coding strand, the complement: ADAMTS2 is on the minus strand). VCF-style: chr5-179344106-G-A. GRCh37 (hg19) VCF-style: chr5-178771107-G-A.
Other names: c.195C>T, p.Asp65= (NM_021599.4).
Identifiers: ClinVar variation 513001 (VCV000513001.1), dbSNP rs1554099931, ClinGen allele CA448395804.